The following is an entry in ClinVar:

NM_001367624.2(ZNF469):c.8501C>G (p.Pro2834Arg)

Gene: ZNF469 (zinc finger protein 469; plus strand). Cytogenetic location: 16q24.2.
Variant type: single nucleotide variant.
Coding change: c.8501C>G on transcript NM_001367624.2 (MANE Select); coding-DNA position 8501, C replaced by G.
Protein change: p.Pro2834Arg; replaces proline 2834 with arginine.
Molecular consequence: missense variant.
Genome position (GRCh38, 1-based): chr16:88,435,971, C>G. VCF-style: chr16-88435971-C-G. GRCh37 (hg19) VCF-style: chr16-88502379-C-G.
Other names: short protein forms P2834R.
Identifiers: ClinVar variation 1409859 (VCV001409859.5), dbSNP rs1392135139, ClinGen allele CA397118220.

ClinVar aggregate classification (germline): Uncertain significance (1 of 4 stars; one submission).

gnomAD v4.1: 8 of 1,549,844 alleles (0.00052%); highest among the groups gnomAD compares: Admixed American, 0.014%; no homozygotes.

Submission:

Labcorp Genetics (formerly Invitae), Labcorp
Classification: Uncertain significance. Last evaluated: 2021-09-03. Review status: criteria provided, single submitter. Criteria: Invitae Variant Classification Sherloc (09022015). Collection method: clinical testing. Allele origin: germline.
Comment: In summary, the available evidence is currently insufficient to determine the role of this variant in disease. Therefore, it has been classified as a Variant of Uncertain Significance. Algorithms developed to predict the effect of missense changes on protein structure and function output the following: SIFT: "Tolerated"; PolyPhen-2: "Possibly Damaging"; Align-GVGD: "Class C0". The arginine amino acid residue is found in multiple mammalian species, which suggests that this missense change does not adversely affect protein function. This variant has not been reported in the literature in individuals affected with ZNF469-related conditions. This variant is not present in population databases (ExAC no frequency). This sequence change replaces proline with arginine at codon 2806 of the ZNF469 protein (p.Pro2806Arg). The proline residue is moderately conserved and there is a moderate physicochemical difference between proline and arginine.